The following is an entry in ClinVar:

NM_001374828.1(ARID1B):c.710T>G (p.Met237Arg)

Genes: ARID1B (AT-rich interaction domain 1B; plus strand), LOC115308161 (uncharacterized LOC115308161; minus strand). Cytogenetic location: 6q25.3.
Variant type: single nucleotide variant.
Coding change: c.710T>G on transcript NM_001374828.1 (MANE Select); coding-DNA position 710, T replaced by G.
Protein change: p.Met237Arg; replaces methionine 237 with arginine.
Molecular consequence: missense variant. On other transcripts: non-coding transcript variant (1).
Genome position (GRCh38, 1-based): chr6:156,778,390, T>G. VCF-style: chr6-156778390-T-G. GRCh37 (hg19) VCF-style: chr6-157099524-T-G.
Other names: c.461T>G, p.Met154Arg (NM_001346813.1, NM_020732.3); c.710T>G, p.Met237Arg (NM_001371656.1, NM_001374820.1, NM_017519.3); c.287T>G, p.Met96Arg (NM_175863.2); short protein forms M96R, M154R, M237R.
Identifiers: ClinVar variation 2253918 (VCV002253918.3), dbSNP rs1778841230, ClinGen allele CA366381935.

ClinVar aggregate classification (germline): Uncertain significance. Review status: criteria provided, multiple submitters, no conflicts (2 of 4 stars). 2 submissions from 2 submitters: Uncertain significance (2). Last evaluated 2025-03-28.

Conditions:
Inborn genetic diseases. Identifiers: MedGen C0950123, MeSH D030342.
ARID1B-Related Disorder. Identifiers: MedGen CN381337.

Allele frequency attached by ClinVar (database versions not stated): TOPMed below 0.00001.

Submissions (2):

PreventionGenetics, part of Exact Sciences
Classification: Uncertain significance for ARID1B-related condition. Last evaluated: 2025-03-28. Review status: criteria provided, single submitter. Criteria: ACMG Guidelines, 2015. Collection method: clinical testing. Allele origin: germline.
Comment: The ARID1B c.461T>G variant is predicted to result in the amino acid substitution p.Met154Arg. To our knowledge, this variant has not been reported in the literature or in a large population database (gnomAD), indicating this variant is rare. At this time, the clinical significance of this variant is uncertain due to the absence of conclusive functional and genetic evidence.

Ambry Genetics
Classification: Uncertain significance for Inborn genetic diseases. Last evaluated: 2021-10-06. Review status: criteria provided, single submitter. Criteria: Ambry Variant Classification Scheme 2023. Collection method: clinical testing. Allele origin: germline.